The following is an entry in ClinVar:

NM_016151.4(TAOK2):c.1541G>A (p.Arg514Lys)

Gene: TAOK2 (TAO kinase 2; plus strand). Cytogenetic location: 16p11.2.
Variant type: single nucleotide variant.
Coding change: c.1541G>A on transcript NM_016151.4 (MANE Select); coding-DNA position 1541, G replaced by A.
Protein change: p.Arg514Lys; replaces arginine 514 with lysine.
Molecular consequence: missense variant.
Genome position (GRCh38, 1-based): chr16:29,985,331, G>A. VCF-style: chr16-29985331-G-A. GRCh37 (hg19) VCF-style: chr16-29996652-G-A.
Other names: c.1541G>A, p.Arg514Lys (NM_001252043.2, NM_004783.4); short protein forms R514K.
Identifiers: ClinVar variation 4766931 (VCV004766931.1).

ClinVar aggregate classification (germline): Uncertain significance (1 of 4 stars; one submission).

gnomAD v4.1: 22 of 1,611,134 alleles (0.0014%); highest among the groups gnomAD compares: Non-Finnish European, 0.0019%; no homozygotes.

Submission:

Labcorp Genetics (formerly Invitae), Labcorp
Classification: Uncertain significance. Last evaluated: 2026-01-11. Review status: criteria provided, single submitter. Criteria: Invitae Variant Classification Sherloc (09022015). Collection method: clinical testing. Allele origin: germline.
Comment: This sequence change replaces arginine, which is basic and polar, with lysine, which is basic and polar, at codon 514 of the TAOK2 protein (p.Arg514Lys). This variant is present in population databases (rs747237611, gnomAD 0.002%). This variant has not been reported in the literature in individuals affected with TAOK2-related conditions. An algorithm developed to predict the effect of missense changes on protein structure and function (PolyPhen-2) suggests that this variant is likely to be tolerated. In summary, the available evidence is currently insufficient to determine the role of this variant in disease. Therefore, it has been classified as a Variant of Uncertain Significance.